The following is an entry in ClinVar:

ClinVar aggregate classification (germline): Uncertain significance (1 of 4 stars; one submission).

Submission:

Labcorp Genetics (formerly Invitae), Labcorp
Classification: Uncertain significance. Last evaluated: 2024-04-22. Review status: criteria provided, single submitter. Criteria: Invitae Variant Classification Sherloc (09022015). Collection method: clinical testing. Allele origin: germline.
Comment: This sequence change falls in intron 3 of the ACO2 gene. It does not directly change the encoded amino acid sequence of the ACO2 protein. It affects a nucleotide within the consensus splice site. This variant is not present in population databases (gnomAD no frequency). This variant has not been reported in the literature in individuals affected with ACO2-related conditions. Variants that disrupt the consensus splice site are a relatively common cause of aberrant splicing (PMID: 17576681, 9536098). Algorithms developed to predict the effect of sequence changes on RNA splicing suggest that this variant may disrupt the consensus splice site. In summary, the available evidence is currently insufficient to determine the role of this variant in disease. Therefore, it has been classified as a Variant of Uncertain Significance.

Literature cited by the submitters: PubMed 17576681; PubMed 9536098.

NM_001098.3(ACO2):c.433-3T>G

Gene: ACO2 (aconitase 2; plus strand). Cytogenetic location: 22q13.2.
Variant type: single nucleotide variant.
Coding change: c.433-3T>G on transcript NM_001098.3 (MANE Select); 3 bases into the intron before coding-DNA position 433, T replaced by G.
Molecular consequence: intron variant.
Genome position (GRCh38, 1-based): chr22:41,511,873, T>G. VCF-style: chr22-41511873-T-G. GRCh37 (hg19) VCF-style: chr22-41907877-T-G.
Identifiers: ClinVar variation 3643857 (VCV003643857.2).
Genomic context (GRCh38, chr22:41,511,873, plus strand): 5'-TGGTGAGGGTCACCTGGACACAAACCATGTTGCTAACGCCCAATTATTGATTTGTCTCAA[T>G]AGGACATCAACCAGGAAGTTTATAATTTCCTGGCAACTGCAGGTGCCAAATATGGCGTGG-3'